The following is an entry in ClinVar:

NM_015512.5(DNAH1):c.11655C>G (p.Val3885=)

Gene: DNAH1 (dynein axonemal heavy chain 1; plus strand). Cytogenetic location: 3p21.1.
Variant type: single nucleotide variant.
Coding change: c.11655C>G on transcript NM_015512.5 (MANE Select); coding-DNA position 11655, C replaced by G.
Protein change: p.Val3885=; no amino-acid change (valine 3885 retained).
Molecular consequence: synonymous variant.
Genome position (GRCh38, 1-based): chr3:52,396,912, C>G. VCF-style: chr3-52396912-C-G. GRCh37 (hg19) VCF-style: chr3-52430928-C-G.
Identifiers: ClinVar variation 3050243 (VCV003050243.3), dbSNP rs779759080, ClinGen allele CA74738012.

ClinVar aggregate classification (germline): Likely benign. Review status: criteria provided, single submitter (1 of 4 stars). 2 submissions from 2 submitters: Likely benign (1). 1 of the submissions does not count toward it. Last evaluated 2025-09-07.

Conditions:
DNAH1-related disorder. Also called: DNAH1-related condition.
Spermatogenic failure 18. Identifiers: MedGen C4539783, MONDO:0054615, OMIM 617576.
Ciliary dyskinesia, primary, 37 (CILD37). Also called: CILIARY DYSKINESIA, PRIMARY, 37, WITH OR WITHOUT SITUS INVERSUS. Identifiers: MedGen C4539798, MONDO:0033204, OMIM 617577.

Allele frequency attached by ClinVar (database versions not stated): gnomAD 0.00001; TOPMed 0.00002.
gnomAD v4.1: 6 of 1,606,832 alleles (0.00037%); highest among the groups gnomAD compares: Admixed American, 0.01%; no homozygotes.

Submissions (2):

Labcorp Genetics (formerly Invitae), Labcorp
Classification: Likely benign for Ciliary dyskinesia, primary, 37; Spermatogenic failure 18. Last evaluated: 2025-09-07. Review status: criteria provided, single submitter. Criteria: Invitae Variant Classification Sherloc (09022015). Collection method: clinical testing. Allele origin: germline.

PreventionGenetics, part of Exact Sciences
Classification: Likely benign for DNAH1-related condition. Last evaluated: 2019-07-16. Review status: no assertion criteria provided. Collection method: clinical testing. Allele origin: germline. Not counted in ClinVar's aggregate classification.
Comment: This variant is classified as likely benign based on ACMG/AMP sequence variant interpretation guidelines (Richards et al. 2015 PMID: 25741868, with internal and published modifications).